The following is an entry in ClinVar:

ClinVar aggregate classification (germline): Benign/Likely benign. Review status: criteria provided, multiple submitters, no conflicts (2 of 4 stars). 9 submissions from 9 submitters: Benign (2); Likely benign (7). Last evaluated 2026-01-26.

Conditions:
Hereditary cancer-predisposing syndrome. Also called: Tumor predisposition; Hereditary Cancer Syndrome; Hereditary neoplastic syndrome; Neoplastic Syndromes, Hereditary. Identifiers: Orphanet 140162, MedGen C0027672, MeSH D009386, MONDO:0015356.
Mismatch repair cancer syndrome 3. Identifiers: MedGen C5436807, MONDO:0030841, OMIM 619097.
Hereditary nonpolyposis colorectal neoplasms. Identifiers: MedGen C0009405, MeSH D003123.
Lynch syndrome. Identifiers: Orphanet 144, MedGen C4552100, MONDO:0005835. Disease mechanism: loss of function.
Lynch syndrome 5 (LYNCH5). Also called: Colorectal cancer, hereditary nonpolyposis, type 5; Hereditary non-polyposis colorectal cancer, type 5. Identifiers: Orphanet 144, MedGen C1833477, MONDO:0013710, OMIM 614350. Disease mechanism: loss of function.

Allele frequency attached by ClinVar (database versions not stated): ExAC 0.00002; gnomAD 0.00008 and 0.00007; TOPMed 0.00011; gnomAD exomes 0.00002.
gnomAD v4.1: 19 of 1,612,388 alleles (0.0012%); highest among the groups gnomAD compares: African/African-American, 0.019%; no homozygotes.

Submissions (9):

Labcorp Genetics (formerly Invitae), Labcorp
Classification: Likely benign for Hereditary nonpolyposis colorectal neoplasms. Last evaluated: 2026-01-26. Review status: criteria provided, single submitter. Criteria: Invitae Variant Classification Sherloc (09022015). Collection method: clinical testing. Allele origin: germline.

Myriad Genetics, Inc.
Classification: Benign for Lynch syndrome 5. Last evaluated: 2025-01-07. Review status: criteria provided, single submitter. Criteria: Myriad Autosomal Dominant, Autosomal Recessive and X-Linked Classification Criteria (2023). Collection method: clinical testing. Allele origin: unknown.
Comment: This variant is considered benign. This variant is a silent/synonymous amino acid change and it is not expected to impact splicing.

All of Us Research Program, National Institutes of Health
Classification: Likely benign for Lynch syndrome. Last evaluated: 2024-01-11. Review status: criteria provided, single submitter. Criteria: ACMG Guidelines, 2015. Collection method: clinical testing. Allele origin: germline. Inheritance: Autosomal dominant inheritance. Observed: 3 variant alleles, 3 heterozygotes.
Comment: This study involves interpretation of variants in research participants for the purpose of population health screening. Participant phenotype was not available at the time of variant classification. Additional details can be found in publication PMID: 35346344, PMCID: PMC8962531

Department of Pathology and Laboratory Medicine, Sinai Health System
Classification: Likely benign for Mismatch repair cancer syndrome 3. Last evaluated: 2021-11-23. Review status: criteria provided, single submitter. Criteria: ACMG Guidelines, 2015. Collection method: clinical testing. Allele origin: germline. Affected: yes.

Quest Diagnostics Nichols Institute San Juan Capistrano
Classification: Likely benign. Last evaluated: 2020-02-21. Review status: criteria provided, single submitter. Criteria: Quest Diagnostics criteria. Collection method: clinical testing. Allele origin: unknown.

Women's Health and Genetics/Laboratory Corporation of America, LabCorp
Classification: Likely benign. Last evaluated: 2019-12-17. Review status: criteria provided, single submitter. Criteria: LabCorp Variant Classification Summary - May 2015. Collection method: clinical testing. Allele origin: germline.

Color Diagnostics, LLC DBA Color Health
Classification: Likely benign for Hereditary cancer-predisposing syndrome. Last evaluated: 2016-04-29. Review status: criteria provided, single submitter. Criteria: ACMG Guidelines, 2015. Collection method: clinical testing. Allele origin: germline.

Ambry Genetics
Classification: Likely benign for Hereditary cancer-predisposing syndrome. Last evaluated: 2016-04-05. Review status: criteria provided, single submitter. Criteria: Ambry Variant Classification Scheme 2023. Collection method: clinical testing. Allele origin: germline.

GeneDx
Classification: Benign. Last evaluated: 2015-03-03. Review status: criteria provided, single submitter. Criteria: GeneDx Variant Classification Process June 2021. Collection method: clinical testing. Allele origin: germline. Affected: yes.

NM_000179.3(MSH6):c.3540A>C (p.Ser1180=)

Gene: MSH6 (mutS homolog 6; plus strand). Cytogenetic location: 2p16.3.
Variant type: single nucleotide variant.
Coding change: c.3540A>C on transcript NM_000179.3 (MANE Select); coding-DNA position 3540, A replaced by C.
Protein change: p.Ser1180=; no amino-acid change (serine 1180 retained).
Molecular consequence: synonymous variant.
Genome position (GRCh38, 1-based): chr2:47,805,011, A>C. VCF-style: chr2-47805011-A-C. GRCh37 (hg19) VCF-style: chr2-48032150-A-C.
Other names: c.3150A>C, p.Ser1050= (NM_001281492.2); c.2634A>C, p.Ser878= (NM_001281493.2, NM_001281494.2).
Identifiers: ClinVar variation 183970 (VCV000183970.27), dbSNP rs777096746, ClinGen allele CA013321.
Genomic context (GRCh38, chr2:47,805,011, plus strand): 5'-CCCTGCTGAAGTGTGCAGGCTCACACCAATTGATAGAGTGTTTACTAGACTTGGTGCCTC[A>C]GACAGAATAATGTCAGGTGAGTTTTTTGTTTCCCACTTAAGTTCTCATTCAGTCATTTAG-3'
Protein context (NP_000170.1, residues 1170-1190): IDRVFTRLGA[Ser1180=]DRIMSGESTF